The following is an entry in ClinVar:

NM_000238.4(KCNH2):c.916G>A (p.Gly306Arg)

Gene: KCNH2 (potassium voltage-gated channel subfamily H member 2; minus strand). Cytogenetic location: 7q36.1.
Variant type: single nucleotide variant.
Coding change: c.916G>A on transcript NM_000238.4 (MANE Select); coding-DNA position 916, G replaced by A.
Protein change: p.Gly306Arg; replaces glycine 306 with arginine.
Molecular consequence: missense variant.
Genome position (GRCh38, 1-based): chr7:150,958,059, C>T on the plus strand (G>A on the coding strand, the complement: KCNH2 is on the minus strand). VCF-style: chr7-150958059-C-T. GRCh37 (hg19) VCF-style: chr7-150655147-C-T.
Other names: c.628G>A, p.Gly210Arg (NM_001406753.1, NM_001406756.1); c.739G>A, p.Gly247Arg (NM_001406755.1); c.616G>A, p.Gly206Arg (NM_001406757.1); c.916G>A, p.Gly306Arg (NM_172056.3); short protein forms G210R, G306R, G206R, G247R.
Identifiers: ClinVar variation 2051989 (VCV002051989.5), dbSNP rs199472884, ClinGen allele CA072256.
Genomic context (GRCh38, chr7:150,958,059, plus strand): 5'-GCAAGCCTGGCAGCAGAAGAAGCGTGGGCTGGGGCGGAACGGGTCCCGCGGCGCCCTCAC[C>T]GGTGCTGGCGTGGCGCGGTGGCGGGGGCAGCACCCCGGCGCGCATGGCCTCGATGTCGTC-3'
Protein context (NP_000229.1, residues 296-316): LPPPPRHAST[Gly306Arg]AMHPLRSGLL

ClinVar aggregate classification (germline): Uncertain significance. Review status: criteria provided, multiple submitters, no conflicts (2 of 4 stars). 2 submissions from 2 submitters: Uncertain significance (2). Last evaluated 2026-06-12.

Conditions:
Cardiovascular phenotype. Identifiers: MedGen CN230736.
Long QT syndrome (LQTS). Identifiers: MedGen C0023976, MeSH D008133, MONDO:0002442. Disease mechanism: loss of function. Inheritance: Various modes of inheritance.

gnomAD v4.1: 1 of 1,260,394 alleles (0.000079%); no homozygotes.

Submissions (2):

Ambry Genetics
Classification: Uncertain significance for Cardiovascular phenotype. Last evaluated: 2026-06-12. Review status: criteria provided, single submitter. Criteria: Ambry Variant Classification Scheme 2023. Collection method: clinical testing. Allele origin: germline.
Comment: The c.916G>A variant (also known as p.G306R), located in coding exon 4 of the KCNH2 gene, results from a G to A substitution at nucleotide position 916. The amino acid change results in glycine to arginine at codon 306, an amino acid with dissimilar properties. However, this change occurs in the last base pair of coding exon 4, which makes it likely to have some effect on normal mRNA splicing. This nucleotide position is highly conserved in available vertebrate species. This amino acid position is highly conserved in available vertebrate species. In silico splice site analysis predicts that this alteration will weaken the native splice donor site. In addition, as a missense substitution, this alteration is predicted to be deleterious by in silico analysis. Based on the available evidence, the clinical significance of this variant remains unclear.

Labcorp Genetics (formerly Invitae), Labcorp
Classification: Uncertain significance for Long QT syndrome. Last evaluated: 2022-08-22. Review status: criteria provided, single submitter. Criteria: Invitae Variant Classification Sherloc (09022015). Collection method: clinical testing. Allele origin: germline.
Comment: This sequence change replaces glycine, which is neutral and non-polar, with arginine, which is basic and polar, at codon 306 of the KCNH2 protein (p.Gly306Arg). This variant also falls at the last nucleotide of exon 4, which is part of the consensus splice site for this exon. This variant is not present in population databases (gnomAD no frequency). This variant has not been reported in the literature in individuals affected with KCNH2-related conditions. Algorithms developed to predict the effect of missense changes on protein structure and function are either unavailable or do not agree on the potential impact of this missense change (SIFT: "Deleterious"; PolyPhen-2: "Benign"; Align-GVGD: "Class C0"). Variants that disrupt the consensus splice site are a relatively common cause of aberrant splicing (PMID: 17576681, 9536098). Algorithms developed to predict the effect of sequence changes on RNA splicing suggest that this variant may disrupt the consensus splice site. In summary, the available evidence is currently insufficient to determine the role of this variant in disease. Therefore, it has been classified as a Variant of Uncertain Significance. This variant disrupts the c.916G nucleotide in the KCNH2 gene. Other variant(s) that disrupt this nucleotide have been determined to be pathogenic (PMID: 15840476, 18752142; Invitae). This suggests that this nucleotide is clinically significant, and that variants that disrupt this position are likely to be disease-causing.

Literature cited by the submitters: PubMed 18752142 (cited by Ambry Genetics and Labcorp Genetics (formerly Invitae), Labcorp); PubMed 17576681 (cited by Labcorp Genetics (formerly Invitae), Labcorp); PubMed 9536098 (cited by Labcorp Genetics (formerly Invitae), Labcorp); PubMed 15840476 (cited by Labcorp Genetics (formerly Invitae), Labcorp).